The following is an entry in ClinVar:

NM_004577.4(PSPH):c.204C>A (p.Leu68=)

Gene: PSPH (phosphoserine phosphatase; minus strand). Cytogenetic location: 7p11.2.
Variant type: single nucleotide variant.
Coding change: c.204C>A on transcript NM_004577.4 (MANE Select); coding-DNA position 204, C replaced by A.
Protein change: p.Leu68=; no amino-acid change (leucine 68 retained).
Molecular consequence: synonymous variant.
Genome position (GRCh38, 1-based): chr7:56,019,671, G>T on the plus strand (C>A on the coding strand, the complement: PSPH is on the minus strand). VCF-style: chr7-56019671-G-T. GRCh37 (hg19) VCF-style: chr7-56087364-G-T.
Other names: c.204C>A, p.Leu68= (NM_001370503.1, NM_001370504.1, NM_001370505.1 and 17 more transcripts).
Identifiers: ClinVar variation 910295 (VCV000910295.5), dbSNP rs201644817, ClinGen allele CA4268738.
Genomic context (GRCh38, chr7:56,019,671, plus strand): 5'-GGTCAGGTGTGGGGGTTGCTCTGCTATGAGTCTCTGCACCTGCTCCCTGGAGGGCTGGAT[G>T]AGGGCTAAGCGCTCTGTGAGAGCAGCTTTGAAAGGCACTGCCCCGCCCATGGCTCGCCGT-3'
Protein context (NP_004568.2, residues 58-78): FKAALTERLA[Leu68=]IQPSREQVQR

ClinVar aggregate classification (germline): Benign. Review status: criteria provided, multiple submitters, no conflicts (2 of 4 stars). 2 submissions from 2 submitters: Benign (2). Last evaluated 2021-03-31.

Conditions:
Deficiency of phosphoserine phosphatase (PSPHD). Also called: Phosphoserine phosphatase deficiency; PSPH deficiency. Identifiers: Orphanet 79350, MedGen C1291463, MONDO:0013531, OMIM 614023.

Allele frequency attached by ClinVar (database versions not stated): 1000 Genomes Project 30x 0.35946; ExAC 0.05762.

Submissions (2):

GeneDx
Classification: Benign. Last evaluated: 2021-03-31. Review status: criteria provided, single submitter. Criteria: GeneDx Variant Classification Process June 2021. Collection method: clinical testing. Allele origin: germline. Affected: yes.

Illumina Laboratory Services, Illumina
Classification: Benign for Deficiency of phosphoserine phosphatase. Last evaluated: 2018-01-13. Review status: criteria provided, single submitter. Criteria: ICSL Variant Classification Criteria 13 December 2019. Collection method: clinical testing. Allele origin: germline.
Comment: This variant was observed in the ICSL laboratory as part of a predisposition screen in an ostensibly healthy population. It had not been previously curated by ICSL or reported in the Human Gene Mutation Database (HGMD: prior to June 1st, 2018), and was therefore a candidate for classification through an automated scoring system. Utilizing variant allele frequency, disease prevalence and penetrance estimates, and inheritance mode, an automated score was calculated to assess if this variant is too frequent to cause the disease. Based on the score and internal cut-off values, a variant classified as benign is not then subjected to further curation. The score for this variant resulted in a classification of benign for this disease.